The following is an entry in ClinVar:

ClinVar aggregate classification (germline): Uncertain significance (1 of 4 stars; one submission).

Allele frequency attached by ClinVar (database versions not stated): ESP Exome Variant Server 0.00008.
gnomAD v4.1: 1 of 1,614,020 alleles (0.000062%); highest among the groups gnomAD compares: Non-Finnish European, 0.000085%; no homozygotes.

Submission:

Labcorp Genetics (formerly Invitae), Labcorp
Classification: Uncertain significance. Last evaluated: 2022-11-08. Review status: criteria provided, single submitter. Criteria: Invitae Variant Classification Sherloc (09022015). Collection method: clinical testing. Allele origin: germline.
Comment: In summary, the available evidence is currently insufficient to determine the role of this variant in disease. Therefore, it has been classified as a Variant of Uncertain Significance. This sequence change replaces serine, which is neutral and polar, with phenylalanine, which is neutral and non-polar, at codon 395 of the ACBD5 protein (p.Ser395Phe). This variant is present in population databases (rs144318021, gnomAD 0.0009%). This variant has not been reported in the literature in individuals affected with ACBD5-related conditions. Advanced modeling of protein sequence and biophysical properties (such as structural, functional, and spatial information, amino acid conservation, physicochemical variation, residue mobility, and thermodynamic stability) performed at Invitae indicates that this missense variant is not expected to disrupt ACBD5 protein function.

NM_145698.5(ACBD5):c.1184C>T (p.Ser395Phe)

Gene: ACBD5 (acyl-CoA binding domain containing 5; minus strand). Cytogenetic location: 10p12.1.
Variant type: single nucleotide variant.
Coding change: c.1184C>T on transcript NM_145698.5 (MANE Select); coding-DNA position 1184, C replaced by T.
Protein change: p.Ser395Phe; replaces serine 395 with phenylalanine.
Molecular consequence: missense variant.
Genome position (GRCh38, 1-based): chr10:27,210,834, G>A on the plus strand (C>T on the coding strand, the complement: ACBD5 is on the minus strand). VCF-style: chr10-27210834-G-A. GRCh37 (hg19) VCF-style: chr10-27499763-G-A.
Other names: c.1079C>T, p.Ser360Phe (NM_001042473.4, NM_001352577.2, NM_001352578.2 and 1 more transcripts); c.1178C>T, p.Ser393Phe (NM_001271512.3); c.857C>T, p.Ser286Phe (NM_001301251.2, NM_001301252.2, NM_001301253.2 and 2 more transcripts); c.653C>T, p.Ser218Phe (NM_001301254.2); c.1238C>T, p.Ser413Phe (NM_001352568.1); c.1217C>T, p.Ser406Phe (NM_001352569.1); c.1184C>T, p.Ser395Phe (NM_001352570.1); c.1211C>T, p.Ser404Phe (NM_001352571.1); and 10 more; short protein forms S292F, S325F, S338F, S360F, S371F, S402F, S218F, S297F.
Identifiers: ClinVar variation 1967021 (VCV001967021.5), dbSNP rs144318021, ClinGen allele CA5450729.